The following is an entry in ClinVar:

NM_021803.4(IL21):c.206C>A (p.Thr69Lys)

Gene: IL21 (interleukin 21; minus strand). Cytogenetic location: 4q27.
Variant type: single nucleotide variant.
Coding change: c.206C>A on transcript NM_021803.4 (MANE Select); coding-DNA position 206, C replaced by A.
Protein change: p.Thr69Lys; replaces threonine 69 with lysine.
Molecular consequence: missense variant.
Genome position (GRCh38, 1-based): chr4:122,615,836, G>T on the plus strand (C>A on the coding strand, the complement: IL21 is on the minus strand). VCF-style: chr4-122615836-G-T. GRCh37 (hg19) VCF-style: chr4-123536991-G-T.
Other names: c.206C>A, p.Thr69Lys (NM_001207006.3); c.206C>A (NM_021803.2); short protein forms T69K.
Identifiers: ClinVar variation 2725727 (VCV002725727.4), dbSNP rs752777569, ClinGen allele CA3069145.

ClinVar aggregate classification (germline): Uncertain significance. Review status: criteria provided, multiple submitters, no conflicts (2 of 4 stars). 2 submissions from 2 submitters: Uncertain significance (2). Last evaluated 2025-12-21.

Allele frequency attached by ClinVar (database versions not stated): gnomAD 0.00001; TOPMed 0.00001; gnomAD exomes 0.00001; ExAC 0.00002.
gnomAD v4.1: 16 of 1,604,012 alleles (0.001%); highest among the groups gnomAD compares: Non-Finnish European, 0.0014%; no homozygotes.

Submissions (2):

Labcorp Genetics (formerly Invitae), Labcorp
Classification: Uncertain significance. Last evaluated: 2025-12-21. Review status: criteria provided, single submitter. Criteria: Invitae Variant Classification Sherloc (09022015). Collection method: clinical testing. Allele origin: germline.
Comment: This sequence change replaces threonine, which is neutral and polar, with lysine, which is basic and polar, at codon 69 of the IL21 protein (p.Thr69Lys). This variant is present in population databases (rs752777569, gnomAD 0.006%). This variant has not been reported in the literature in individuals affected with IL21-related conditions. ClinVar contains an entry for this variant (Variation ID: 2725727). An algorithm developed to predict the effect of missense changes on protein structure and function outputs the following: PolyPhen-2: "Benign". The lysine amino acid residue is found in multiple mammalian species, which suggests that this missense change does not adversely affect protein function. In summary, the available evidence is currently insufficient to determine the role of this variant in disease. Therefore, it has been classified as a Variant of Uncertain Significance.

Ambry Genetics
Classification: Uncertain significance. Last evaluated: 2025-10-28. Review status: criteria provided, single submitter. Criteria: Ambry Variant Classification Scheme 2023. Collection method: clinical testing. Allele origin: germline.